The following is an entry in ClinVar:

ClinVar aggregate classification (germline): Likely benign. Review status: criteria provided, multiple submitters, no conflicts (2 of 4 stars). 4 submissions from 4 submitters: Likely benign (2). 2 of the submissions do not count toward it. Last evaluated 2021-07-26.

Conditions:
SLC10A1-related disorder. Also called: SLC10A1-related condition.
Hypercholanemia, familial, 2. Also called: NTCP deficiency. Identifiers: MedGen C5543243, MONDO:0031003, OMIM 619256. Disease mechanism: loss of function.

Allele frequency attached by ClinVar (database versions not stated): ESP Exome Variant Server 0.00038; gnomAD exomes 0.00060 and 0.00142; gnomAD 0.00074 and 0.00084; TOPMed 0.00090; ExAC 0.00119; 1000 Genomes Project 0.00180; 1000 Genomes Project 30x 0.00203.
gnomAD v4.1: 1,049 of 1,614,196 alleles (0.065%); highest among the groups gnomAD compares: East Asian, 1.2%; 3 homozygotes.

Submissions (4):

Fulgent Genetics
Classification: Likely benign for Hypercholanemia, familial, 2. Last evaluated: 2021-07-26. Review status: criteria provided, single submitter. Criteria: ACMG Guidelines, 2015. Collection method: clinical testing. Allele origin: unknown.

Eurofins Ntd Llc (ga)
Classification: Likely benign. Last evaluated: 2018-08-27. Review status: criteria provided, single submitter. Criteria: EGL ClinVar v180209 classification definitions. Collection method: clinical testing. Allele origin: germline. Observed: 1 variant allele, 1 heterozygote.

OMIM
Classification: Pathogenic for HYPERCHOLANEMIA, FAMILIAL, 2. Last evaluated: 2024-12-04. Review status: no assertion criteria provided. Collection method: literature only. Allele origin: germline. Not counted in ClinVar's aggregate classification.

PreventionGenetics, part of Exact Sciences
Classification: Likely benign for SLC10A1-related condition. Last evaluated: 2022-08-08. Review status: no assertion criteria provided. Collection method: clinical testing. Allele origin: germline. Not counted in ClinVar's aggregate classification.
Comment: This variant is classified as likely benign based on ACMG/AMP sequence variant interpretation guidelines (Richards et al. 2015 PMID: 25741868, with internal and published modifications).

Literature cited by the submitters: PubMed 29290974 (cited by OMIM).

NM_003049.4(SLC10A1):c.263T>C (p.Ile88Thr)

Gene: SLC10A1 (solute carrier family 10 member 1; minus strand). Cytogenetic location: 14q24.1.
Variant type: single nucleotide variant.
Coding change: c.263T>C on transcript NM_003049.4 (MANE Select); coding-DNA position 263, T replaced by C.
Protein change: p.Ile88Thr; replaces isoleucine 88 with threonine.
Molecular consequence: missense variant.
Genome position (GRCh38, 1-based): chr14:69,796,893, A>G on the plus strand (T>C on the coding strand, the complement: SLC10A1 is on the minus strand). VCF-style: chr14-69796893-A-G. GRCh37 (hg19) VCF-style: chr14-70263610-A-G.
Other names: c.263T>C (NM_003049.3); short protein forms I88T.
Identifiers: ClinVar variation 598530 (VCV000598530.10), dbSNP rs148467625, ClinGen allele CA7246245.